The following is an entry in ClinVar:

ClinVar aggregate classification (germline): Pathogenic (1 of 4 stars; one submission).

Submission:

GeneDx
Classification: Pathogenic. Last evaluated: 2020-06-12. Review status: criteria provided, single submitter. Criteria: GeneDx Variant Classification Process June 2021. Collection method: clinical testing. Allele origin: germline. Affected: yes.
Comment: Frameshift variant predicted to result in protein truncation or nonsense mediated decay in a gene for which loss-of-function is a known mechanism of disease; Not observed in large population cohorts (Lek et al., 2016); Has not been previously published as pathogenic or benign to our knowledge

NM_006030.4(CACNA2D2):c.200dup (p.His68fs)

Gene: CACNA2D2 (calcium voltage-gated channel auxiliary subunit alpha2delta 2; minus strand). Cytogenetic location: 3p21.31.
Variant type: Duplication.
Coding change: c.200dup on transcript NM_006030.4 (MANE Select); coding-DNA position 200, one base duplicated (A; older notation c.200dupA).
Protein change: p.His68fs; shifts the reading frame from histidine 68.
Molecular consequence: frameshift variant. On other transcripts: intron variant (1).
Genome position (GRCh38, 1-based): chr3:50,503,224, T duplicated on the plus strand (A on the coding strand, the reverse complement: CACNA2D2 is on the minus strand). VCF-style (leftmost placement, unchanged base first): chr3-50503223-C-CT. GRCh37 (hg19) VCF-style: chr3-50540654-C-CT.
Other names: c.200dupA (NM_006030.2); c.200dup, p.His68fs (NM_001005505.3, NM_001174051.3); c.-2+845dup (NM_001291101.1); short protein forms H68fs.
Identifiers: ClinVar variation 423330 (VCV000423330.4), dbSNP rs1553759256, ClinGen allele CA16617994.